The following is an entry in ClinVar:

NM_000218.3(KCNQ1):c.449C>T (p.Ala150Val)

Gene: KCNQ1 (potassium voltage-gated channel subfamily Q member 1; plus strand). Cytogenetic location: 11p15.5.
Variant type: single nucleotide variant.
Coding change: c.449C>T on transcript NM_000218.3 (MANE Select); coding-DNA position 449, C replaced by T.
Protein change: p.Ala150Val; replaces alanine 150 with valine.
Molecular consequence: missense variant.
Genome position (GRCh38, 1-based): chr11:2,527,990, C>T. VCF-style: chr11-2527990-C-T. GRCh37 (hg19) VCF-style: chr11-2549220-C-T.
Other names: c.449C>T, p.Ala150Val (NM_001406836.1, NM_001406838.1); c.179C>T, p.Ala60Val (NM_001406837.1); c.68C>T, p.Ala23Val (NM_181798.2); short protein forms A150V, A23V, A60V.
Identifiers: ClinVar variation 4757517 (VCV004757517.1).

ClinVar aggregate classification (germline): Uncertain significance (1 of 4 stars; one submission).

Conditions:
Cardiac arrhythmia. Also called: Arrhythmia; Cardiac rhythm disease. Identifiers: MedGen C0003811, MONDO:0007263, HP:0011675.

gnomAD v4.1: 6 of 1,614,006 alleles (0.00037%); highest among the groups gnomAD compares: Non-Finnish European, 0.00042%; no homozygotes.

Submission:

Color Diagnostics, LLC DBA Color Health
Classification: Uncertain significance for Cardiac arrhythmia. Last evaluated: 2025-07-09. Review status: criteria provided, single submitter. Criteria: ACMG Guidelines, 2015. Collection method: clinical testing. Allele origin: germline.
Comment: This missense variant replaces alanine with valine at codon 150 of the KCNQ1 protein. Computational prediction is inconclusive regarding the impact of this variant on protein structure and function. An in vitro functional study has shown that this variant causes reduced peak current density but maintains normal surface expression (PMID: 29532034). This variant has not been reported in individuals affected with KCNQ1-related disorders in the literature. This variant has not been identified in the general population by the Genome Aggregation Database (gnomAD). The available evidence is insufficient to determine the role of this variant in disease conclusively. Therefore, this variant is classified as a Variant of Uncertain Significance.

Literature cited by the submitters: PubMed 29532034.